The following is an entry in ClinVar:

NM_002470.4(MYH3):c.34A>C (p.Ile12Leu)

Gene: MYH3 (myosin heavy chain 3; minus strand). Cytogenetic location: 17p13.1.
Variant type: single nucleotide variant.
Coding change: c.34A>C on transcript NM_002470.4 (MANE Select); coding-DNA position 34, A replaced by C.
Protein change: p.Ile12Leu; replaces isoleucine 12 with leucine.
Molecular consequence: missense variant.
Genome position (GRCh38, 1-based): chr17:10,655,031, T>G on the plus strand (A>C on the coding strand, the complement: MYH3 is on the minus strand). VCF-style: chr17-10655031-T-G. GRCh37 (hg19) VCF-style: chr17-10558348-T-G.
Other names: c.34A>C (NM_002470.3); short protein forms I12L.
Identifiers: ClinVar variation 2725882 (VCV002725882.4), dbSNP rs1307651658, ClinGen allele CA398119394.

ClinVar aggregate classification (germline): Uncertain significance. Review status: criteria provided, multiple submitters, no conflicts (2 of 4 stars). 2 submissions from 2 submitters: Uncertain significance (2). Last evaluated 2025-06-10.

Conditions:
Inborn genetic diseases. Identifiers: MedGen C0950123, MeSH D030342.

Allele frequency attached by ClinVar (database versions not stated): gnomAD exomes below 0.00001.
gnomAD v4.1: 6 of 1,614,230 alleles (0.00037%); highest among the groups gnomAD compares: Middle Eastern, 0.017%; no homozygotes.

Submissions (2):

Labcorp Genetics (formerly Invitae), Labcorp
Classification: Uncertain significance. Last evaluated: 2025-06-10. Review status: criteria provided, single submitter. Criteria: Invitae Variant Classification Sherloc (09022015). Collection method: clinical testing. Allele origin: germline.
Comment: This sequence change replaces isoleucine, which is neutral and non-polar, with leucine, which is neutral and non-polar, at codon 12 of the MYH3 protein (p.Ile12Leu). This variant is not present in population databases (gnomAD no frequency). This variant has not been reported in the literature in individuals affected with MYH3-related conditions. ClinVar contains an entry for this variant (Variation ID: 2725882). Invitae Evidence Modeling of protein sequence and biophysical properties (such as structural, functional, and spatial information, amino acid conservation, physicochemical variation, residue mobility, and thermodynamic stability) indicates that this missense variant is not expected to disrupt MYH3 protein function with a negative predictive value of 95%. In summary, the available evidence is currently insufficient to determine the role of this variant in disease. Therefore, it has been classified as a Variant of Uncertain Significance.

Ambry Genetics
Classification: Uncertain significance for Inborn genetic diseases. Last evaluated: 2024-12-10. Review status: criteria provided, single submitter. Criteria: Ambry Variant Classification Scheme 2023. Collection method: clinical testing. Allele origin: germline.